The following is an entry in ClinVar:

ClinVar aggregate classification (germline): Uncertain significance. Review status: criteria provided, multiple submitters, no conflicts (2 of 4 stars). 2 submissions from 2 submitters: Uncertain significance (2). Last evaluated 2024-06-07.

Conditions:
Inborn genetic diseases. Identifiers: MedGen C0950123, MeSH D030342.

gnomAD v4.1: 22 of 1,614,038 alleles (0.0014%); highest among the groups gnomAD compares: Non-Finnish European, 0.0019%; no homozygotes.

Submissions (2):

Ambry Genetics
Classification: Uncertain significance for Inborn genetic diseases. Last evaluated: 2024-06-07. Review status: criteria provided, single submitter. Criteria: Ambry Variant Classification Scheme 2023. Collection method: clinical testing. Allele origin: germline.

Labcorp Genetics (formerly Invitae), Labcorp
Classification: Uncertain significance. Last evaluated: 2024-03-16. Review status: criteria provided, single submitter. Criteria: Invitae Variant Classification Sherloc (09022015). Collection method: clinical testing. Allele origin: germline.
Comment: This sequence change replaces alanine, which is neutral and non-polar, with valine, which is neutral and non-polar, at codon 679 of the LAMA3 protein (p.Ala679Val). This variant is present in population databases (rs766167839, gnomAD 0.004%). This variant has not been reported in the literature in individuals affected with LAMA3-related conditions. Algorithms developed to predict the effect of missense changes on protein structure and function output the following: SIFT: "Not Available"; PolyPhen-2: "Benign"; Align-GVGD: "Not Available". The valine amino acid residue is found in multiple mammalian species, which suggests that this missense change does not adversely affect protein function. In summary, the available evidence is currently insufficient to determine the role of this variant in disease. Therefore, it has been classified as a Variant of Uncertain Significance.

NM_198129.4(LAMA3):c.6863C>T (p.Ala2288Val)

Gene: LAMA3 (laminin subunit alpha 3; plus strand). Cytogenetic location: 18q11.2.
Variant type: single nucleotide variant.
Coding change: c.6863C>T on transcript NM_198129.4 (MANE Select); coding-DNA position 6863, C replaced by T.
Protein change: p.Ala2288Val; replaces alanine 2288 with valine.
Molecular consequence: missense variant.
Genome position (GRCh38, 1-based): chr18:23,907,783, C>T. VCF-style: chr18-23907783-C-T. GRCh37 (hg19) VCF-style: chr18-21487747-C-T.
Other names: c.2036C>T, p.Ala679Val (NM_000227.6); c.6695C>T, p.Ala2232Val (NM_001127717.4); c.1868C>T, p.Ala623Val (NM_001127718.4); short protein forms A2232V, A2288V, A623V, A679V.
Identifiers: ClinVar variation 3289921 (VCV003289921.2).